The following is an entry in ClinVar:

NM_017780.4(CHD7):c.4802A>T (p.Tyr1601Phe)

Gene: CHD7 (chromodomain helicase DNA binding protein 7; plus strand). Cytogenetic location: 8q12.2.
Variant type: single nucleotide variant.
Coding change: c.4802A>T on transcript NM_017780.4 (MANE Select); coding-DNA position 4802, A replaced by T.
Protein change: p.Tyr1601Phe; replaces tyrosine 1601 with phenylalanine.
Molecular consequence: missense variant. On other transcripts: intron variant (1).
Genome position (GRCh38, 1-based): chr8:60,842,004, A>T. VCF-style: chr8-60842004-A-T. GRCh37 (hg19) VCF-style: chr8-61754563-A-T.
Other names: c.1717-20225A>T (NM_001316690.1); short protein forms Y1601F.
Identifiers: ClinVar variation 1054472 (VCV001054472.9), dbSNP rs2150786892, ClinGen allele CA371319556.

ClinVar aggregate classification (germline): Uncertain significance (1 of 4 stars; one submission).

Conditions:
CHARGE syndrome (CHARGE). Also called: Hittner Hirsch Kreh syndrome; CHARGE ASSOCIATION--COLOBOMA, HEART ANOMALY, CHOANAL ATRESIA, RETARDATION, GENITAL AND EAR ANOMALIES; Coloboma, heart anomaly, choanal atresia, retardation, genital and ear anomalies; CHARGE association; Hall-Hittner syndrome. Identifiers: Orphanet 138, MedGen C0265354, MONDO:0008965.

gnomAD v4.1: 1 of 1,614,020 alleles (0.000062%); highest among the groups gnomAD compares: Non-Finnish European, 0.000085%; no homozygotes.

Submission:

Labcorp Genetics (formerly Invitae), Labcorp
Classification: Uncertain significance for CHARGE syndrome. Last evaluated: 2020-06-10. Review status: criteria provided, single submitter. Criteria: Invitae Variant Classification Sherloc (09022015). Collection method: clinical testing. Allele origin: germline.
Comment: In summary, the available evidence is currently insufficient to determine the role of this variant in disease. Therefore, it has been classified as a Variant of Uncertain Significance. Algorithms developed to predict the effect of missense changes on protein structure and function are either unavailable or do not agree on the potential impact of this missense change (SIFT: "Deleterious"; PolyPhen-2: "Probably Damaging"; Align-GVGD: "Class C15"). This variant has not been reported in the literature in individuals with CHD7-related conditions. This variant is not present in population databases (ExAC no frequency). This sequence change replaces tyrosine with phenylalanine at codon 1601 of the CHD7 protein (p.Tyr1601Phe). The tyrosine residue is highly conserved and there is a small physicochemical difference between tyrosine and phenylalanine.